The following is an entry in ClinVar:

NM_000424.4(KRT5):c.1561G>T (p.Gly521Cys)

Gene: KRT5 (keratin 5; minus strand). Cytogenetic location: 12q13.13.
Variant type: single nucleotide variant.
Coding change: c.1561G>T on transcript NM_000424.4 (MANE Select); coding-DNA position 1561, G replaced by T.
Protein change: p.Gly521Cys; replaces glycine 521 with cysteine.
Molecular consequence: missense variant.
Genome position (GRCh38, 1-based): chr12:52,515,154, C>A on the plus strand (G>T on the coding strand, the complement: KRT5 is on the minus strand). VCF-style: chr12-52515154-C-A. GRCh37 (hg19) VCF-style: chr12-52908938-C-A.
Other names: short protein forms G521C.
Identifiers: ClinVar variation 2966449 (VCV002966449.3), dbSNP rs375140289, ClinGen allele CA384922173.

ClinVar aggregate classification (germline): Uncertain significance (1 of 4 stars; one submission).

Submission:

Labcorp Genetics (formerly Invitae), Labcorp
Classification: Uncertain significance. Last evaluated: 2024-02-23. Review status: criteria provided, single submitter. Criteria: Invitae Variant Classification Sherloc (09022015). Collection method: clinical testing. Allele origin: germline.
Comment: This sequence change replaces glycine, which is neutral and non-polar, with cysteine, which is neutral and slightly polar, at codon 521 of the KRT5 protein (p.Gly521Cys). This variant is not present in population databases (gnomAD no frequency). This variant has not been reported in the literature in individuals affected with KRT5-related conditions. Advanced modeling of protein sequence and biophysical properties (such as structural, functional, and spatial information, amino acid conservation, physicochemical variation, residue mobility, and thermodynamic stability) performed at Invitae indicates that this missense variant is not expected to disrupt KRT5 protein function with a negative predictive value of 95%. In summary, the available evidence is currently insufficient to determine the role of this variant in disease. Therefore, it has been classified as a Variant of Uncertain Significance.